The following is an entry in ClinVar:

NM_001276270.2(MBD4):c.1636G>A (p.Glu546Lys)

Gene: MBD4 (methyl-CpG binding domain 4, DNA glycosylase; minus strand). Cytogenetic location: 3q21.3.
Variant type: single nucleotide variant.
Coding change: c.1636G>A on transcript NM_001276270.2 (MANE Select); coding-DNA position 1636, G replaced by A.
Protein change: p.Glu546Lys; replaces glutamic acid 546 with lysine.
Molecular consequence: missense variant. On other transcripts: intron variant (1).
Genome position (GRCh38, 1-based): chr3:129,432,514, C>T on the plus strand (G>A on the coding strand, the complement: MBD4 is on the minus strand). VCF-style: chr3-129432514-C-T. GRCh37 (hg19) VCF-style: chr3-129151357-C-T.
Other names: c.1654G>A, p.Glu552Lys (NM_001276271.2, NM_003925.3); c.700G>A, p.Glu234Lys (NM_001276273.2); c.1612+42G>A (NM_001276272.2); short protein forms E234K, E552K, E546K.
Identifiers: ClinVar variation 2712037 (VCV002712037.5), dbSNP rs749164308, ClinGen allele CA2605241.
Genomic context (GRCh38, chr3:129,432,514, plus strand): 5'-TTGCCTCAGAGACCAAATGTGCTGAATTATGGATGGGAGTGAGCCTCACCTGCTTCCACT[C>T]ATTGACACAAAAAATTCGGTAAGAGTCGTTGCCATATTTACCAATCCCATGAAGCTCAAT-3'
Protein context (NP_001263199.1, residues 536-556): NDSYRIFCVN[Glu546Lys]WKQVHPEDHK

ClinVar aggregate classification (germline): Uncertain significance. Review status: criteria provided, multiple submitters, no conflicts (2 of 4 stars). 3 submissions from 3 submitters: Uncertain significance (3). Last evaluated 2025-08-20.

Conditions:
Melanoma, uveal, susceptibility to, 1 (UVM1). Identifiers: Orphanet 39044, MedGen C1847724, MONDO:0011695, OMIM 606660. Disease mechanism: loss of function.
Tumor predisposition syndrome 2 (TPDS2). Also called: MBD4-ASSOCIATED NEOPLASIA SYNDROME; MBD4-Related Tumor Predisposition Syndrome; MBD4-associated neoplasia syndrome (MANS). Identifiers: Orphanet 661526, MedGen C5774186, MONDO:0859267, OMIM 619975.
Inborn genetic diseases. Identifiers: MedGen C0950123, MeSH D030342.

Allele frequency attached by ClinVar (database versions not stated): TOPMed below 0.00001; gnomAD exomes 0.00001; ExAC 0.00002.
gnomAD v4.1: 9 of 1,614,228 alleles (0.00056%); highest among the groups gnomAD compares: Middle Eastern, 0.016%; no homozygotes.

Submissions (3):

Labcorp Genetics (formerly Invitae), Labcorp
Classification: Uncertain significance. Last evaluated: 2025-08-20. Review status: criteria provided, single submitter. Criteria: Invitae Variant Classification Sherloc (09022015). Collection method: clinical testing. Allele origin: germline.
Comment: This sequence change replaces glutamic acid, which is acidic and polar, with lysine, which is basic and polar, at codon 552 of the MBD4 protein (p.Glu552Lys). This variant is present in population databases (rs749164308, gnomAD 0.006%). This variant has not been reported in the literature in individuals affected with MBD4-related conditions. ClinVar contains an entry for this variant (Variation ID: 2712037). An algorithm developed to predict the effect of missense changes on protein structure and function (PolyPhen-2) suggests that this variant is likely to be disruptive. In summary, the available evidence is currently insufficient to determine the role of this variant in disease. Therefore, it has been classified as a Variant of Uncertain Significance.

Ambry Genetics
Classification: Uncertain significance for Inborn genetic diseases. Last evaluated: 2024-12-13. Review status: criteria provided, single submitter. Criteria: Ambry Variant Classification Scheme 2023. Collection method: clinical testing. Allele origin: germline.
Comment: The p.E546K variant (also known as c.1636G>A), located in coding exon 7 of the MBD4 gene, results from a G to A substitution at nucleotide position 1636. The glutamic acid at codon 546 is replaced by lysine, an amino acid with similar properties. This amino acid position is highly conserved in available vertebrate species. In addition, the in silico prediction for this alteration is inconclusive. Based on the available evidence, the clinical significance of this variant remains unclear.

Fulgent Genetics
Classification: Uncertain significance for Melanoma, uveal, susceptibility to, 1; Tumor predisposition syndrome 2. Last evaluated: 2024-06-17. Review status: criteria provided, single submitter. Criteria: ACMG Guidelines, 2015. Collection method: clinical testing. Allele origin: germline.